The following is an entry in ClinVar:

ClinVar aggregate classification (germline): Uncertain significance. Review status: criteria provided, multiple submitters, no conflicts (2 of 4 stars). 2 submissions from 2 submitters: Uncertain significance (2). Last evaluated 2022-05-21.

Conditions:
Martsolf syndrome (MARTS). Also called: Congenital cataract with intellectual disability and hypogonadotropic hypogonadism syndrome. Identifiers: Orphanet 1387, MedGen C0796037, MONDO:0023910.
Warburg micro syndrome 2 (WARBM2). Also called: MICRO SYNDROME 2. Identifiers: Orphanet 2510, MedGen C3280214, MONDO:0013641, OMIM 614225.

Allele frequency attached by ClinVar (database versions not stated): gnomAD exomes below 0.00001; TOPMed below 0.00001; gnomAD 0.00001.
gnomAD v4.1: 4 of 1,609,560 alleles (0.00025%); highest among the groups gnomAD compares: Middle Eastern, 0.05%; no homozygotes.

Submissions (2):

Labcorp Genetics (formerly Invitae), Labcorp
Classification: Uncertain significance for Martsolf syndrome; Warburg micro syndrome 2. Last evaluated: 2022-05-21. Review status: criteria provided, single submitter. Criteria: Invitae Variant Classification Sherloc (09022015). Collection method: clinical testing. Allele origin: germline.
Comment: In summary, the available evidence is currently insufficient to determine the role of this variant in disease. Therefore, it has been classified as a Variant of Uncertain Significance. Algorithms developed to predict the effect of missense changes on protein structure and function (SIFT, PolyPhen-2, Align-GVGD) all suggest that this variant is likely to be tolerated. ClinVar contains an entry for this variant (Variation ID: 436472). This variant has not been reported in the literature in individuals affected with RAB3GAP2-related conditions. This variant is not present in population databases (gnomAD no frequency). This sequence change replaces asparagine, which is neutral and polar, with aspartic acid, which is acidic and polar, at codon 344 of the RAB3GAP2 protein (p.Asn344Asp).

Genetic Services Laboratory, University of Chicago
Classification: Uncertain significance. Last evaluated: 2016-08-11. Review status: criteria provided, single submitter. Criteria: ACMG Guidelines, 2015. Collection method: clinical testing. Allele origin: germline. Affected: no.

NM_012414.4(RAB3GAP2):c.1030A>G (p.Asn344Asp)

Gene: RAB3GAP2 (RAB3 GTPase activating non-catalytic protein subunit 2; minus strand). Cytogenetic location: 1q41.
Variant type: single nucleotide variant.
Coding change: c.1030A>G on transcript NM_012414.4 (MANE Select); coding-DNA position 1030, A replaced by G.
Protein change: p.Asn344Asp; replaces asparagine 344 with aspartic acid.
Molecular consequence: missense variant.
Genome position (GRCh38, 1-based): chr1:220,195,308, T>C on the plus strand (A>G on the coding strand, the complement: RAB3GAP2 is on the minus strand). VCF-style: chr1-220195308-T-C. GRCh37 (hg19) VCF-style: chr1-220368650-T-C.
Other names: short protein forms N344D.
Identifiers: ClinVar variation 436472 (VCV000436472.10), dbSNP rs1174986383, ClinGen allele CA344646860.